The following is an entry in ClinVar:

NM_014875.3(KIF14):c.2218C>T (p.Arg740Ter)

Gene: KIF14 (kinesin family member 14; minus strand). Cytogenetic location: 1q32.1.
Variant type: single nucleotide variant.
Coding change: c.2218C>T on transcript NM_014875.3 (MANE Select); coding-DNA position 2218, C replaced by T.
Protein change: p.Arg740Ter; replaces arginine 740 with a stop codon.
Molecular consequence: nonsense.
Genome position (GRCh38, 1-based): chr1:200,600,438, G>A on the plus strand (C>T on the coding strand, the complement: KIF14 is on the minus strand). VCF-style: chr1-200600438-G-A. GRCh37 (hg19) VCF-style: chr1-200569566-G-A.
Other names: c.745C>T, p.Arg249Ter (NM_001305792.1); c.2218C>T (NM_014875.2); short protein forms R249*, R740*.
Identifiers: ClinVar variation 2445895 (VCV002445895.3), dbSNP rs749131549, ClinGen allele CA1317575.

ClinVar aggregate classification (germline): Conflicting classifications of pathogenicity. Review status: criteria provided, conflicting classifications (1 of 4 stars). 2 submissions from 2 submitters: Likely pathogenic (1); Uncertain significance (1). Last evaluated 2026-09-16.

Conditions:
Joubert syndrome and related disorders. Identifiers: Orphanet 140874, MedGen C5679612, MONDO:0015369.

Allele frequency attached by ClinVar (database versions not stated): gnomAD exomes 0.00001; ExAC 0.00002.

Submissions (2):

GeneDx
Classification: Uncertain significance. Last evaluated: 2026-09-16. Review status: criteria provided, single submitter. Criteria: GeneDx Variant Classification Process June 2021. Collection method: clinical testing. Allele origin: germline.
Comment: Nonsense variant predicted to result in protein truncation or nonsense mediated decay in a gene for which loss of function is a known mechanism of disease; Has not been previously published as pathogenic or benign to our knowledge

Women's Health and Genetics/Laboratory Corporation of America, LabCorp
Classification: Likely pathogenic for Joubert syndrome and related disorders. Last evaluated: 2023-02-17. Review status: criteria provided, single submitter. Criteria: LabCorp Variant Classification Summary - May 2015. Collection method: clinical testing. Allele origin: germline.
Comment: Variant summary: KIF14 c.2218C>T (p.Arg740X) results in a premature termination codon, predicted to cause a truncation of the encoded protein or absence of the protein due to nonsense mediated decay, which are commonly known mechanisms for disease. Truncations downstream of this position have been classified as pathogenic by our laboratory. The variant allele was found at a frequency of 1.6e-05 in 251272 control chromosomes (gnomAD). To our knowledge, no occurrence of c.2218C>T in individuals affected with Joubert Syndrome And Related Disorders and no experimental evidence demonstrating its impact on protein function have been reported. No clinical diagnostic laboratories have submitted clinical-significance assessments for this variant to ClinVar after 2014. Based on the evidence outlined above, the variant was classified as likely pathogenic.